The following is an entry in ClinVar:

ClinVar aggregate classification (germline): Benign/Likely benign. Review status: criteria provided, multiple submitters, no conflicts (2 of 4 stars). 6 submissions from 6 submitters: Benign (2); Likely benign (3). 1 of the submissions does not count toward it. Last evaluated 2026-02-01.

Allele frequency attached by ClinVar (database versions not stated): gnomAD exomes 0.00056 and 0.00067; ExAC 0.00151; ESP Exome Variant Server 0.00435; 1000 Genomes Project 0.00599; 1000 Genomes Project 30x 0.00609; gnomAD 0.00628 and 0.00679; TOPMed 0.00693.
gnomAD v4.1: 1,746 of 1,504,180 alleles (0.12%); highest among the groups gnomAD compares: African/African-American, 2.2%; 21 homozygotes.

Submissions (6):

Labcorp Genetics (formerly Invitae), Labcorp
Classification: Benign. Last evaluated: 2026-02-01. Review status: criteria provided, single submitter. Criteria: Invitae Variant Classification Sherloc (09022015). Collection method: clinical testing. Allele origin: germline.

Blueprint Genetics
Classification: Likely benign. Last evaluated: 2024-11-12. Review status: criteria provided, single submitter. Criteria: ACMG Guidelines, 2015. Collection method: clinical testing. Allele origin: germline.

Mayo Clinic Laboratories, Mayo Clinic
Classification: Benign. Last evaluated: 2023-06-12. Review status: criteria provided, single submitter. Criteria: ACMG Guidelines, 2015. Collection method: clinical testing. Allele origin: germline. Observed: 4 variant alleles.
Comment: BS1, BS2, BP4, BP7

GeneDx
Classification: Likely benign. Last evaluated: 2021-05-04. Review status: criteria provided, single submitter. Criteria: GeneDx Variant Classification Process June 2021. Collection method: clinical testing. Allele origin: germline. Affected: yes.

Breakthrough Genomics
Classification: Likely benign. Review status: criteria provided, single submitter. Criteria: ACMG Guidelines, 2015. Collection method: not provided. Allele origin: germline. Inheritance: Autosomal recessive inheritance. Affected: yes.

Genetic Services Laboratory, University of Chicago
Classification: Benign. Last evaluated: 2022-08-29. Review status: no assertion criteria provided. Collection method: clinical testing. Allele origin: germline. Affected: no. Not counted in ClinVar's aggregate classification.

NM_173689.7(CRB2):c.2709C>T (p.Arg903=)

Gene: CRB2 (crumbs cell polarity complex component 2; plus strand). Cytogenetic location: 9q33.3.
Variant type: single nucleotide variant.
Coding change: c.2709C>T on transcript NM_173689.7 (MANE Select); coding-DNA position 2709, C replaced by T.
Protein change: p.Arg903=; no amino-acid change (arginine 903 retained).
Molecular consequence: synonymous variant. On other transcripts: non-coding transcript variant (1).
Genome position (GRCh38, 1-based): chr9:123,373,240, C>T. VCF-style: chr9-123373240-C-T. GRCh37 (hg19) VCF-style: chr9-126135519-C-T.
Other names: p.Arg903=.
Identifiers: ClinVar variation 776449 (VCV000776449.17), dbSNP rs116379540, ClinGen allele CA5232289.